The following is an entry in ClinVar:

ClinVar aggregate classification (germline): Uncertain significance (1 of 4 stars; one submission).

Submission:

GeneDx
Classification: Uncertain significance. Last evaluated: 2019-10-04. Review status: criteria provided, single submitter. Criteria: GeneDx Variant Classification Process June 2021. Collection method: clinical testing. Allele origin: germline. Affected: yes.
Comment: Not observed in large population cohorts (Lek et al., 2016); In silico analysis, which includes protein predictors and evolutionary conservation, supports a deleterious effect; Has not been previously published as pathogenic or benign to our knowledge

NM_031407.7(HUWE1):c.11849C>G (p.Pro3950Arg)

Gene: HUWE1 (HECT, UBA and WWE domain containing E3 ubiquitin protein ligase 1; minus strand). Cytogenetic location: Xp11.22.
Variant type: single nucleotide variant.
Coding change: c.11849C>G on transcript NM_031407.7 (MANE Select); coding-DNA position 11849, C replaced by G.
Protein change: p.Pro3950Arg; replaces proline 3950 with arginine.
Molecular consequence: missense variant.
Genome position (GRCh38, 1-based): chrX:53,538,864, G>C on the plus strand (C>G on the coding strand, the complement: HUWE1 is on the minus strand). VCF-style: chrX-53538864-G-C. GRCh37 (hg19) VCF-style: chrX-53565825-G-C.
Other names: short protein forms P3950R.
Identifiers: ClinVar variation 1309043 (VCV001309043.2), dbSNP rs2061211944, ClinGen allele CA413157754.